The following is an entry in ClinVar:

ClinVar aggregate classification (germline): Uncertain significance (1 of 4 stars; one submission).

Conditions:
Hereditary sensory and autonomic neuropathy type 6. Also called: HSAN VI; Neuropathy, hereditary sensory and autonomic, type VI. Identifiers: Orphanet 314381, MedGen C3539003, MONDO:0013839, OMIM 614653.
Epidermolysis bullosa simplex 3, localized or generalized intermediate, with BP230 deficiency (EBS3). Also called: Epidermolysis bullosa simplex, autosomal recessive 2; Epidermolysis bullosa simplex due to BP230 deficiency. Identifiers: Orphanet 412181, MedGen C3809470, MONDO:0014180, OMIM 615425.

Allele frequency attached by ClinVar (database versions not stated): TOPMed below 0.00001; gnomAD 0.00002; gnomAD exomes 0.00002; ExAC 0.00006; 1000 Genomes Project 30x 0.00016; 1000 Genomes Project 0.00020.
gnomAD v4.1: 25 of 1,596,056 alleles (0.0016%); highest among the groups gnomAD compares: Non-Finnish European, 0.00051%; no homozygotes.

Submission:

Labcorp Genetics (formerly Invitae), Labcorp
Classification: Uncertain significance for Epidermolysis bullosa simplex 3, localized or generalized intermediate, with BP230 deficiency; Hereditary sensory and autonomic neuropathy type 6. Last evaluated: 2023-05-22. Review status: criteria provided, single submitter. Criteria: Invitae Variant Classification Sherloc (09022015). Collection method: clinical testing. Allele origin: germline.
Comment: The DST gene has multiple clinically relevant transcripts. This variant occurs in alternate transcript NM_015548.4, and corresponds to NM_001723.5:c.*106746T>C in the primary transcript. This sequence change falls in intron 55 of the DST gene. It does not directly change the encoded amino acid sequence of the DST protein. This variant is present in population databases (rs201028541, gnomAD 0.02%). This variant has not been reported in the literature in individuals affected with DST-related conditions. Experimental studies and prediction algorithms are not available or were not evaluated, and the effect of this variant on mRNA splicing is currently unknown. In summary, the available evidence is currently insufficient to determine the role of this variant in disease. Therefore, it has been classified as a Variant of Uncertain Significance.

NM_001374736.1(DST):c.19013-16T>C

Gene: DST (dystonin; minus strand). Cytogenetic location: 6p12.1.
Variant type: single nucleotide variant.
Coding change: c.19013-16T>C on transcript NM_001374736.1 (MANE Select); 16 bases into the intron before coding-DNA position 19013, T replaced by C.
Molecular consequence: intron variant.
Genome position (GRCh38, 1-based): chr6:56,508,771, A>G on the plus strand (T>C on the coding strand, the complement: DST is on the minus strand). VCF-style: chr6-56508771-A-G. GRCh37 (hg19) VCF-style: chr6-56373569-A-G.
Other names: c.12656-16T>C (NM_001144769.5); c.19013-16T>C (NM_001374722.1); c.19040-16T>C (NM_001374734.1); c.12242-16T>C (NM_001144770.2); c.11795-16T>C (NM_001374730.1); c.12122-16T>C (NM_001386100.1, NM_183380.4); c.18053-16T>C (NM_001374729.1); c.11144-16T>C (NM_015548.5).
Identifiers: ClinVar variation 2930613 (VCV002930613.1), dbSNP rs201028541, ClinGen allele CA3867093.